The following is an entry in ClinVar:

NM_000264.5(PTCH1):c.3647G>T (p.Ser1216Ile)

Gene: PTCH1 (patched 1; minus strand). Cytogenetic location: 9q22.32.
Variant type: single nucleotide variant.
Coding change: c.3647G>T on transcript NM_000264.5 (MANE Select); coding-DNA position 3647, G replaced by T.
Protein change: p.Ser1216Ile; replaces serine 1216 with isoleucine.
Molecular consequence: missense variant. On other transcripts: non-coding transcript variant (1).
Genome position (GRCh38, 1-based): chr9:95,449,226, C>A on the plus strand (G>T on the coding strand, the complement: PTCH1 is on the minus strand). VCF-style: chr9-95449226-C-A. GRCh37 (hg19) VCF-style: chr9-98211508-C-A.
Other names: c.3449G>T, p.Ser1150Ile (NM_001083602.3); c.3644G>T, p.Ser1215Ile (NM_001083603.3); c.3194G>T, p.Ser1065Ile (NM_001083604.3, NM_001083605.3, NM_001083606.3 and 1 more transcripts); c.3491G>T, p.Ser1164Ile (NM_001354918.2); short protein forms S1215I, S1065I, S1150I, S1164I, S1216I.
Identifiers: ClinVar variation 4146819 (VCV004146819.1).

ClinVar aggregate classification (germline): Uncertain significance (1 of 4 stars; one submission).

Conditions:
Hereditary cancer-predisposing syndrome. Also called: Hereditary neoplastic syndrome; Neoplastic Syndromes, Hereditary; Tumor predisposition; Hereditary Cancer Syndrome. Identifiers: Orphanet 140162, MedGen C0027672, MeSH D009386, MONDO:0015356.

gnomAD v4.1: 2 of 1,595,144 alleles (0.00013%); highest among the groups gnomAD compares: Admixed American, 0.0018%; no homozygotes.

Submission:

Ambry Genetics
Classification: Uncertain significance for Hereditary cancer-predisposing syndrome. Last evaluated: 2025-09-04. Review status: criteria provided, single submitter. Criteria: Ambry Variant Classification Scheme 2023. Collection method: clinical testing. Allele origin: germline.
Comment: The p.S1216I variant (also known as c.3647G>T), located in coding exon 22 of the PTCH1 gene, results from a G to T substitution at nucleotide position 3647. The serine at codon 1216 is replaced by isoleucine, an amino acid with dissimilar properties. This amino acid position is conserved. In addition, this alteration is predicted to be tolerated by in silico analysis. Based on the available evidence, the clinical significance of this variant remains unclear.